The following is an entry in ClinVar:

NM_002661.5(PLCG2):c.2055-7G>A

Gene: PLCG2 (phospholipase C gamma 2; plus strand). Cytogenetic location: 16q23.3.
Variant type: single nucleotide variant.
Coding change: c.2055-7G>A on transcript NM_002661.5 (MANE Select); 7 bases into the intron before coding-DNA position 2055, G replaced by A.
Molecular consequence: intron variant.
Genome position (GRCh38, 1-based): chr16:81,919,477, G>A. VCF-style: chr16-81919477-G-A. GRCh37 (hg19) VCF-style: chr16-81953082-G-A.
Identifiers: ClinVar variation 1298669 (VCV001298669.38), dbSNP rs373933998, ClinGen allele CA8194076.
Genomic context (GRCh38, chr16:81,919,477, plus strand): 5'-GGTTTGTGTAAAAATTGTTTGGCCACCAGGATCTTGGCATGTCAACCCTGTGTTCTTCCT[G>A]CTCCAGGGCTAGGGGCAAGGTAAAGCATTGTCGCATCAACCGGGACGGCCGGCACTTTGT-3'

ClinVar aggregate classification (germline): Likely benign. Review status: criteria provided, multiple submitters, no conflicts (2 of 4 stars). 3 submissions from 3 submitters: Likely benign (3). Last evaluated 2025-03-01.

Conditions:
Familial cold autoinflammatory syndrome (FCAS). Also called: COLD-INDUCED AUTOINFLAMMATORY SYNDROME, FAMILIAL; Familial cold urticaria. Identifiers: Orphanet 47045, MedGen C0343068, MONDO:0018768.

Allele frequency attached by ClinVar (database versions not stated): gnomAD 0.00014 and 0.00015; TOPMed 0.00014; ESP Exome Variant Server 0.00016.
gnomAD v4.1: 319 of 1,610,656 alleles (0.02%); highest among the groups gnomAD compares: Middle Eastern, 0.035%; no homozygotes.

Submissions (3):

CeGaT Center for Human Genetics Tuebingen
Classification: Likely benign. Last evaluated: 2025-03-01. Review status: criteria provided, single submitter. Criteria: CeGaT Center For Human Genetics Tuebingen Variant Classification Criteria Version 2. Collection method: clinical testing. Allele origin: germline. Affected: yes. Observed: 3 variant alleles.
Comment: PLCG2: BP4

Blueprint Genetics
Classification: Likely benign. Last evaluated: 2024-11-27. Review status: criteria provided, single submitter. Criteria: ACMG Guidelines, 2015. Collection method: clinical testing. Allele origin: germline.

Genetics and Molecular Pathology, SA Pathology
Classification: Likely benign for Familial cold autoinflammatory syndrome. Last evaluated: 2020-04-23. Review status: criteria provided, single submitter. Criteria: ACMG Guidelines, 2015. Collection method: clinical testing. Allele origin: germline. Inheritance: Autosomal dominant inheritance. Affected: yes.